The following is an entry in ClinVar:

ClinVar aggregate classification (germline): Uncertain significance. Review status: criteria provided, multiple submitters, no conflicts (2 of 4 stars). 4 submissions from 4 submitters: Uncertain significance (4). Last evaluated 2025-10-16.

Conditions:
NOTCH2-related disorder. Also called: NOTCH2-related condition.
Hajdu-Cheney syndrome (HJCYS). Also called: SERPENTINE FIBULA-POLYCYSTIC KIDNEY SYNDROME; Acroosteolysis dominant type; ACROOSTEOLYSIS WITH OSTEOPOROSIS AND CHANGES IN SKULL AND MANDIBLE. Identifiers: Orphanet 955, MedGen C0917715, MONDO:0007057, OMIM 102500.

Allele frequency attached by ClinVar (database versions not stated): ExAC 0.00001; gnomAD 0.00001; TOPMed 0.00002; gnomAD exomes 0.00003.
gnomAD v4.1: 39 of 1,614,072 alleles (0.0024%); highest among the groups gnomAD compares: Non-Finnish European, 0.0033%; no homozygotes.

Submissions (4):

PreventionGenetics, part of Exact Sciences
Classification: Uncertain significance for NOTCH2-related condition. Last evaluated: 2025-10-16. Review status: criteria provided, single submitter. Criteria: ACMG Guidelines, 2015. Collection method: clinical testing. Allele origin: germline.
Comment: The NOTCH2 c.4675C>G variant is predicted to result in the amino acid substitution p.Leu1559Val. To our knowledge, this variant has not been reported in the literature. This variant is reported in 0.0035% of alleles in individuals of European (Non-Finnish) descent in gnomAD. At this time, the clinical significance of this variant is uncertain due to the absence of conclusive functional and genetic evidence.

Mayo Clinic Laboratories, Mayo Clinic
Classification: Uncertain significance. Last evaluated: 2025-10-09. Review status: criteria provided, single submitter. Criteria: ACMG Guidelines, 2015. Collection method: clinical testing. Allele origin: germline. Observed: 2 variant alleles.
Comment: PM2_supporting

Labcorp Genetics (formerly Invitae), Labcorp
Classification: Uncertain significance for Hajdu-Cheney syndrome. Last evaluated: 2025-04-08. Review status: criteria provided, single submitter. Criteria: Invitae Variant Classification Sherloc (09022015). Collection method: clinical testing. Allele origin: germline.
Comment: This sequence change replaces leucine, which is neutral and non-polar, with valine, which is neutral and non-polar, at codon 1559 of the NOTCH2 protein (p.Leu1559Val). This variant is present in population databases (rs764641032, gnomAD 0.004%). This variant has not been reported in the literature in individuals affected with NOTCH2-related conditions. ClinVar contains an entry for this variant (Variation ID: 2434397). Invitae Evidence Modeling of protein sequence and biophysical properties (such as structural, functional, and spatial information, amino acid conservation, physicochemical variation, residue mobility, and thermodynamic stability) indicates that this missense variant is not expected to disrupt NOTCH2 protein function with a negative predictive value of 80%. In summary, the available evidence is currently insufficient to determine the role of this variant in disease. Therefore, it has been classified as a Variant of Uncertain Significance.

Revvity Omics, Revvity
Classification: Uncertain significance. Last evaluated: 2020-02-26. Review status: criteria provided, single submitter. Criteria: ACMG Guidelines, 2015. Collection method: clinical testing. Allele origin: germline.

NM_024408.4(NOTCH2):c.4675C>G (p.Leu1559Val)

Gene: NOTCH2 (notch receptor 2; minus strand). Cytogenetic location: 1p12.
Variant type: single nucleotide variant.
Coding change: c.4675C>G on transcript NM_024408.4 (MANE Select); coding-DNA position 4675, C replaced by G.
Protein change: p.Leu1559Val; replaces leucine 1559 with valine.
Molecular consequence: missense variant.
Genome position (GRCh38, 1-based): chr1:119,923,821, G>C on the plus strand (C>G on the coding strand, the complement: NOTCH2 is on the minus strand). VCF-style: chr1-119923821-G-C. GRCh37 (hg19) VCF-style: chr1-120466444-G-C.
Other names: p.Leu1559Val; short protein forms L1559V.
Identifiers: ClinVar variation 2434397 (VCV002434397.8), dbSNP rs764641032, ClinGen allele CA1039822.